The following is an entry in ClinVar:

ClinVar aggregate classification (germline): Conflicting classifications of pathogenicity. Review status: criteria provided, conflicting classifications (1 of 4 stars). 2 submissions from 2 submitters: Uncertain significance (1); Likely benign (1). Last evaluated 2026-06-14.

Conditions:
Cardiovascular phenotype. Identifiers: MedGen CN230736.
Hereditary hemorrhagic telangiectasia (HHT). Also called: ORW DISEASE; Osler Weber Rendu syndrome; OSLER-RENDU-WEBER DISEASE; Osler hemorrhagic telangiectasia syndrome. Identifiers: Orphanet 774, MedGen C0039445, MONDO:0019180. Disease mechanism: loss of function.

Submissions (2):

Ambry Genetics
Classification: Likely benign for Cardiovascular phenotype. Last evaluated: 2026-06-14. Review status: criteria provided, single submitter. Criteria: Ambry Variant Classification Scheme 2023. Collection method: clinical testing. Allele origin: germline.

Labcorp Genetics (formerly Invitae), Labcorp
Classification: Uncertain significance for Hereditary hemorrhagic telangiectasia. Last evaluated: 2024-05-08. Review status: criteria provided, single submitter. Criteria: Invitae Variant Classification Sherloc (09022015). Collection method: clinical testing. Allele origin: germline.
Comment: This sequence change replaces glutamic acid, which is acidic and polar, with glutamine, which is neutral and polar, at codon 137 of the ENG protein (p.Glu137Gln). This variant is not present in population databases (gnomAD no frequency). This variant has not been reported in the literature in individuals affected with ENG-related conditions. Advanced modeling of protein sequence and biophysical properties (such as structural, functional, and spatial information, amino acid conservation, physicochemical variation, residue mobility, and thermodynamic stability) performed at Invitae indicates that this missense variant is not expected to disrupt ENG protein function with a negative predictive value of 95%. In summary, the available evidence is currently insufficient to determine the role of this variant in disease. Therefore, it has been classified as a Variant of Uncertain Significance.

NM_001114753.3(ENG):c.409G>C (p.Glu137Gln)

Gene: ENG (endoglin; minus strand). Cytogenetic location: 9q34.11.
Variant type: single nucleotide variant.
Coding change: c.409G>C on transcript NM_001114753.3 (MANE Select); coding-DNA position 409, G replaced by C.
Protein change: p.Glu137Gln; replaces glutamic acid 137 with glutamine.
Molecular consequence: missense variant. On other transcripts: 5 prime UTR variant (1).
Genome position (GRCh38, 1-based): chr9:127,826,624, C>G on the plus strand (G>C on the coding strand, the complement: ENG is on the minus strand). VCF-style: chr9-127826624-C-G. GRCh37 (hg19) VCF-style: chr9-130588903-C-G.
Other names: c.409G>C, p.Glu137Gln (NM_000118.4, NM_001406715.1); c.-138G>C (NM_001278138.2); c.409G>C (NM_001114753.1); short protein forms E137Q.
Identifiers: ClinVar variation 3666543 (VCV003666543.3).